The following is an entry in ClinVar:

NM_170606.3(KMT2C):c.4682T>A (p.Leu1561His)

Gene: KMT2C (lysine methyltransferase 2C; minus strand). Cytogenetic location: 7q36.1.
Variant type: single nucleotide variant.
Coding change: c.4682T>A on transcript NM_170606.3 (MANE Select); coding-DNA position 4682, T replaced by A.
Protein change: p.Leu1561His; replaces leucine 1561 with histidine.
Molecular consequence: missense variant.
Genome position (GRCh38, 1-based): chr7:152,187,826, A>T on the plus strand (T>A on the coding strand, the complement: KMT2C is on the minus strand). VCF-style: chr7-152187826-A-T. GRCh37 (hg19) VCF-style: chr7-151884911-A-T.
Other names: short protein forms L1561H.
Identifiers: ClinVar variation 3900085 (VCV003900085.1).

ClinVar aggregate classification (germline): Uncertain significance (1 of 4 stars; one submission).

Submission:

GeneDx
Classification: Uncertain significance. Last evaluated: 2024-11-22. Review status: criteria provided, single submitter. Criteria: GeneDx Variant Classification Process June 2021. Collection method: clinical testing. Allele origin: germline. Affected: yes.
Comment: Not observed at significant frequency in large population cohorts (gnomAD); In silico analysis supports that this missense variant has a deleterious effect on protein structure/function; Has not been previously published as pathogenic or benign to our knowledge